The following is an entry in ClinVar:

NM_001142800.2(EYS):c.5810T>G (p.Leu1937Trp)

Gene: EYS (EGF-like photoreceptor maintenance factor; minus strand). Cytogenetic location: 6q12.
Variant type: single nucleotide variant.
Coding change: c.5810T>G on transcript NM_001142800.2 (MANE Select); coding-DNA position 5810, T replaced by G.
Protein change: p.Leu1937Trp; replaces leucine 1937 with tryptophan.
Molecular consequence: missense variant.
Genome position (GRCh38, 1-based): chr6:64,439,187, A>C on the plus strand (T>G on the coding strand, the complement: EYS is on the minus strand). VCF-style: chr6-64439187-A-C. GRCh37 (hg19) VCF-style: chr6-65149080-A-C.
Other names: c.5810T>G, p.Leu1937Trp (NM_001292009.2); short protein forms L1937W.
Identifiers: ClinVar variation 866812 (VCV000866812.5), dbSNP rs1774852530, ClinGen allele CA364392552.

ClinVar aggregate classification (germline): Uncertain significance. Review status: criteria provided, multiple submitters, no conflicts (2 of 4 stars). 2 submissions from 2 submitters: Uncertain significance (2). Last evaluated 2023-12-18.

Allele frequency attached by ClinVar (database versions not stated): TOPMed 0.00001.

Submissions (2):

Labcorp Genetics (formerly Invitae), Labcorp
Classification: Uncertain significance. Last evaluated: 2023-12-18. Review status: criteria provided, single submitter. Criteria: Invitae Variant Classification Sherloc (09022015). Collection method: clinical testing. Allele origin: germline.
Comment: This sequence change replaces leucine, which is neutral and non-polar, with tryptophan, which is neutral and slightly polar, at codon 1937 of the EYS protein (p.Leu1937Trp). This variant is not present in population databases (gnomAD no frequency). This variant has not been reported in the literature in individuals affected with EYS-related conditions. ClinVar contains an entry for this variant (Variation ID: 866812). Advanced modeling of protein sequence and biophysical properties (such as structural, functional, and spatial information, amino acid conservation, physicochemical variation, residue mobility, and thermodynamic stability) has been performed at Invitae for this missense variant, however the output from this modeling did not meet the statistical confidence thresholds required to predict the impact of this variant on EYS protein function. In summary, the available evidence is currently insufficient to determine the role of this variant in disease. Therefore, it has been classified as a Variant of Uncertain Significance.

Blueprint Genetics
Classification: Uncertain significance. Last evaluated: 2018-08-22. Review status: criteria provided, single submitter. Criteria: ACMG Guidelines, 2015. Collection method: clinical testing. Allele origin: germline.